The following is an entry in ClinVar:

NM_000170.3(GLDC):c.2903T>C (p.Val968Ala)

Gene: GLDC (glycine decarboxylase; minus strand). Cytogenetic location: 9p24.1.
Variant type: single nucleotide variant.
Coding change: c.2903T>C on transcript NM_000170.3 (MANE Select); coding-DNA position 2903, T replaced by C.
Protein change: p.Val968Ala; replaces valine 968 with alanine.
Molecular consequence: missense variant.
Genome position (GRCh38, 1-based): chr9:6,534,724, A>G on the plus strand (T>C on the coding strand, the complement: GLDC is on the minus strand). VCF-style: chr9-6534724-A-G. GRCh37 (hg19) VCF-style: chr9-6534724-A-G.
Other names: short protein forms V968A.
Identifiers: ClinVar variation 969754 (VCV000969754.11), dbSNP rs554230348, ClinGen allele CA4980023.

ClinVar aggregate classification (germline): Uncertain significance. Review status: criteria provided, multiple submitters, no conflicts (2 of 4 stars). 3 submissions from 3 submitters: Uncertain significance (2). 1 of the submissions does not count toward it. Last evaluated 2023-12-14.

Conditions:
Inborn genetic diseases. Identifiers: MedGen C0950123, MeSH D030342.
Glycine encephalopathy. Also called: Non-ketotic hyperglycinemia; Nonketotic hyperglycinemia. Identifiers: Orphanet 407, MedGen C0751748, MONDO:0011612, HP:0008288.

Allele frequency attached by ClinVar (database versions not stated): gnomAD exomes below 0.00001 and 0.00002; gnomAD 0.00001 and 0.00002; TOPMed 0.00001; ExAC 0.00003; 1000 Genomes Project 30x 0.00016; 1000 Genomes Project 0.00020.
gnomAD v4.1: 8 of 1,596,264 alleles (0.0005%); highest among the groups gnomAD compares: South Asian, 0.0055%; no homozygotes.

Submissions (3):

Ambry Genetics
Classification: Uncertain significance for Inborn genetic diseases. Last evaluated: 2023-12-14. Review status: criteria provided, single submitter. Criteria: Ambry Variant Classification Scheme 2023. Collection method: clinical testing. Allele origin: germline.

Labcorp Genetics (formerly Invitae), Labcorp
Classification: Uncertain significance for Glycine encephalopathy. Last evaluated: 2021-08-28. Review status: criteria provided, single submitter. Criteria: Invitae Variant Classification Sherloc (09022015). Collection method: clinical testing. Allele origin: germline.
Comment: This sequence change replaces valine with alanine at codon 968 of the GLDC protein (p.Val968Ala). The valine residue is moderately conserved and there is a small physicochemical difference between valine and alanine. This variant is present in population databases (rs554230348, ExAC 0.01%). This variant has not been reported in the literature in individuals affected with GLDC-related conditions. Algorithms developed to predict the effect of missense changes on protein structure and function (SIFT, PolyPhen-2, Align-GVGD) all suggest that this variant is likely to be tolerated. In summary, the available evidence is currently insufficient to determine the role of this variant in disease. Therefore, it has been classified as a Variant of Uncertain Significance.

Natera, Inc.
Classification: Uncertain significance for Non-ketotic hyperglycinemia. Last evaluated: 2020-04-06. Review status: no assertion criteria provided. Collection method: clinical testing. Allele origin: germline. Not counted in ClinVar's aggregate classification.